The following is an entry in ClinVar:

NM_020884.7(MYH7B):c.1958C>T (p.Thr653Met)

Gene: MYH7B (myosin heavy chain 7B; plus strand). Cytogenetic location: 20q11.22.
Variant type: single nucleotide variant.
Coding change: c.1958C>T on transcript NM_020884.7 (MANE Select); coding-DNA position 1958, C replaced by T.
Protein change: p.Thr653Met; replaces threonine 653 with methionine.
Molecular consequence: missense variant.
Genome position (GRCh38, 1-based): chr20:34,990,291, C>T. VCF-style: chr20-34990291-C-T. GRCh37 (hg19) VCF-style: chr20-33578094-C-T.
Other names: short protein forms T653M.
Identifiers: ClinVar variation 3718434 (VCV003718434.2).

ClinVar aggregate classification (germline): Uncertain significance (1 of 4 stars; one submission).

gnomAD v4.1: 13 of 1,614,080 alleles (0.00081%); highest among the groups gnomAD compares: African/African-American, 0.0013%; no homozygotes.

Submission:

Labcorp Genetics (formerly Invitae), Labcorp
Classification: Uncertain significance. Last evaluated: 2024-02-14. Review status: criteria provided, single submitter. Criteria: Invitae Variant Classification Sherloc (09022015). Collection method: clinical testing. Allele origin: germline.
Comment: This sequence change replaces threonine, which is neutral and polar, with methionine, which is neutral and non-polar, at codon 695 of the MYH7B protein (p.Thr695Met). This variant is present in population databases (rs374403364, gnomAD 0.007%). This missense change has been observed in individual(s) with MYH7B-related conditions (PMID: 32207065). Advanced modeling of protein sequence and biophysical properties (such as structural, functional, and spatial information, amino acid conservation, physicochemical variation, residue mobility, and thermodynamic stability) performed at Invitae indicates that this missense variant is expected to disrupt MYH7B protein function with a positive predictive value of 80%. In summary, the available evidence is currently insufficient to determine the role of this variant in disease. Therefore, it has been classified as a Variant of Uncertain Significance.

Literature cited by the submitters: PubMed 32207065.